The following is an entry in ClinVar:

ClinVar aggregate classification (germline): Uncertain significance (0 of 4 stars; one submission).

Conditions:
PLXNA4-related disorder. Also called: PLXNA4-related condition.

gnomAD v4.1: 1 of 1,609,718 alleles (0.000062%); highest among the groups gnomAD compares: African/African-American, 0.0013%; no homozygotes.

Submission:

PreventionGenetics, part of Exact Sciences
Classification: Uncertain significance for PLXNA4-related condition. Last evaluated: 2024-07-05. Review status: no assertion criteria provided. Collection method: clinical testing. Allele origin: germline.
Comment: The PLXNA4 c.2857-9T>C variant is predicted to interfere with splicing. To our knowledge, this variant has not been reported in the literature or in a large population database, indicating this variant is rare. This variant is predicted to alter the splice acceptor site at the beginning of exon 15, based on available splicing prediction programs (SpliceAI, Jaganathan et al. 2019. PubMed ID: 30661751. At this time, the clinical significance of this variant is uncertain due to the absence of conclusive functional and genetic evidence.

NM_020911.2(PLXNA4):c.2857-9T>C

Gene: PLXNA4 (plexin A4; minus strand). Cytogenetic location: 7q32.3.
Variant type: single nucleotide variant.
Coding change: c.2857-9T>C on transcript NM_020911.2 (MANE Select); 9 bases into the intron before coding-DNA position 2857, T replaced by C.
Molecular consequence: intron variant.
Genome position (GRCh38, 1-based): chr7:132,187,616, A>G on the plus strand (T>C on the coding strand, the complement: PLXNA4 is on the minus strand). VCF-style: chr7-132187616-A-G. GRCh37 (hg19) VCF-style: chr7-131872375-A-G.
Other names: c.2857-9T>C (NM_001393897.1).
Identifiers: ClinVar variation 3354931 (VCV003354931.1).
Genomic context (GRCh38, chr7:132,187,616, plus strand): 5'-TCCCTCCGGACATGGGCCCCCGGCTGGGCTTCAGATCTGAGAGAGTCAGTGTCTGTGTAG[A>G]AAGGATGTGGCCTGAGACACAACCAGGAAGGGGTGGAGGAGGCTTCTGGGCAGGCGTGAG-3'